The following is an entry in ClinVar:

ClinVar aggregate classification (germline): Conflicting classifications of pathogenicity. Review status: criteria provided, conflicting classifications (1 of 4 stars). 13 submissions from 13 submitters: Uncertain significance (5); Benign (2); Likely benign (6). Last evaluated 2026-06-25.

Conditions:
BRCA2-related cancer predisposition. Identifiers: MedGen CN377758, MONDO:0700269.
Inherited breast cancer and ovarian cancer.
BRCA2-related disorder. Also called: BRCA2-related condition; BRCA2-related disorders. Identifiers: MedGen CN239275.
Hereditary cancer. Identifiers: MedGen C1333600.
Hereditary cancer-predisposing syndrome. Also called: Neoplastic Syndromes, Hereditary; Tumor predisposition; Hereditary neoplastic syndrome; Hereditary Cancer Syndrome. Identifiers: Orphanet 140162, MedGen C0027672, MeSH D009386, MONDO:0015356.
Hereditary breast ovarian cancer syndrome. Also called: Hereditary breast and/or ovarian cancer syndrome; Hereditary breast and ovarian cancer syndrome; Hereditary breast and ovarian cancer; Hereditary breast and ovarian cancer syndrome (HBOC); Breast and ovarian cancer; BRCA1- and BRCA2-Associated Hereditary Breast and Ovarian Cancer. Identifiers: Orphanet 145, MedGen C0677776, MeSH D061325, MONDO:0003582. Disease mechanism: loss of function.
Breast-ovarian cancer, familial, susceptibility to, 2 (BROVCA2). Also called: BRCA2 Hereditary Breast and Ovarian Cancer. Identifiers: Orphanet 145, MedGen C2675520, MONDO:0012933, OMIM 612555. Disease mechanism: loss of function.

Allele frequency attached by ClinVar (database versions not stated): TOPMed 0.00001.
gnomAD v4.1: 41 of 1,612,860 alleles (0.0025%); highest among the groups gnomAD compares: Non-Finnish European, 0.0031%; 1 homozygote.

Submissions (13):

Genomics and Molecular Medicine Service, East Genomic Laboratory Hub, NHS Genomic Medicine Service
Classification: Likely benign for Inherited breast cancer and ovarian cancer. Last evaluated: 2026-06-25. Review status: criteria provided, single submitter. Criteria: ACGS Best Practice Guidelines for Variant Classification in Rare Disease 2020. Collection method: clinical testing. Allele origin: germline. Affected: yes.
Comment: PM1_Supporting,PP4,BS3_Strong,BP4

Labcorp Genetics (formerly Invitae), Labcorp
Classification: Likely benign for Hereditary breast ovarian cancer syndrome. Last evaluated: 2025-10-29. Review status: criteria provided, single submitter. Criteria: Invitae Variant Classification Sherloc (09022015). Collection method: clinical testing. Allele origin: germline.

German Consortium for Hereditary Breast and Ovarian Cancer, University Hospital Cologne
Classification: Likely benign for Hereditary breast ovarian cancer syndrome. Last evaluated: 2025-04-02. Review status: criteria provided, single submitter. Criteria: ClinGen BRCA2 V1.1.0. Collection method: curation. Allele origin: germline.
Comment: According to the ClinGen ENIGMA BRCA2 v1.1.0 criteria we chose these criteria: PP4 (supporting pathogenic): Combined LR Score 2.21201 (Parsons et al.), BP4 (supporting benign): BayesDel: -0.2316; spliceAI:0.01, BS3 (strong benign): Reported by one calibrated study to exhibit protein function similar to benign control variants (PMID:33609447) (BS3 met).

PreventionGenetics, part of Exact Sciences
Classification: Likely benign for BRCA2-related condition. Last evaluated: 2025-03-31. Review status: criteria provided, single submitter. Criteria: ACMG Guidelines, 2015. Collection method: clinical testing. Allele origin: germline.
Comment: This variant is classified as likely benign based on ACMG/AMP sequence variant interpretation guidelines (Richards et al. 2015 PMID: 25741868, with internal and published modifications).

Mendelics
Classification: Likely benign for Hereditary cancer. Last evaluated: 2024-09-11. Review status: criteria provided, single submitter. Criteria: ACMG Guidelines, 2015. Collection method: clinical testing. Allele origin: unknown.
Comment: This variant is considered likely benign or benign based on one or more of the following: it is predicted to be benign by multiple in silico algorithms, and/or has population frequency not consistent with disease, and/or has normal protein function, and/or has lack of segregation with disease, and/or has been detected in co-occurrence with known pathogenic variant, and/or has lack of disease association in case-control studies, and/or is located in a region inconsistent with a known cause of pathogenicity.

Women's Health and Genetics/Laboratory Corporation of America, LabCorp
Classification: Benign. Last evaluated: 2022-04-09. Review status: criteria provided, single submitter. Criteria: LabCorp Variant Classification Summary - May 2015. Collection method: clinical testing. Allele origin: germline.
Comment: Variant summary: BRCA2 c.7985C>T (p.Thr2662Met) results in a non-conservative amino acid change located in the Breast cancer type 2 susceptibility protein, helical domain (IPR015252) of the encoded protein sequence. Four of five in-silico tools predict a benign effect of the variant on protein function. 5/5 computational tools predict no significant impact on normal splicing, which was confirmed by one functional study (Fraile-Bethencourt_2017). The variant allele was found at a frequency of 4e-06 in 250098 control chromosomes (gnomAD). The available data on variant occurrences in the general population are insufficient to allow any conclusion about variant significance. c.7985C>T has been reported in the literature as a VUS in one individual who had personal or family history of breast and/or ovarian cancer (example, Tsaousis_2019) and in control cohorts (example, Dorling_2021). These report(s) does not provide unequivocal conclusions about association of the variant with Hereditary Breast and Ovarian Cancer. At-least two co-occurrences with another pathogenic variant has been reported in the UMD database and at our laboratory (UMD-BRCA1 c.5080G>T, p.Glu1694X; our laboratory-BRCA2 c.3915del, p.Phe1305fs), providing supporting evidence for a benign role. At least two publications report experimental evidence evaluating an impact on protein function demonstrating no damaging effect in a homology-directed repair (HDR) assay (example, Hart_2018, Richardson_2021). HDR assays qualify as a recognized gold standard on the basis of updated guidance provided by the ClinGen Sequence Variant Interpretation (SVI) working group. This working group has recommended strong functional evidence (ACMG BS3) as sufficient weightage for categorization as likely benign (Tavtigian_2018). Seven clinical diagnostic laboratories have submitted clinical-significance assessments for this variant to ClinVar after 2014 without evidence for independent evaluation (VUS, n=4; Likely benign/Benign, n=3). Based on the evidence outlined above, the variant was classified as benign.

Ambry Genetics
Classification: Benign for Hereditary cancer-predisposing syndrome. Last evaluated: 2020-07-22. Review status: criteria provided, single submitter. Criteria: Ambry Variant Classification Scheme 2023. Collection method: clinical testing. Allele origin: germline.

Quest Diagnostics Nichols Institute San Juan Capistrano
Classification: Uncertain significance. Last evaluated: 2020-03-05. Review status: criteria provided, single submitter. Criteria: Quest Diagnostics criteria. Collection method: clinical testing. Allele origin: unknown.

Department of Pathology and Laboratory Medicine, Sinai Health System
Classification: Uncertain significance for BRCA2-related cancer predisposition. Last evaluated: 2019-09-30. Review status: criteria provided, single submitter. Criteria: ACMG Guidelines, 2015. Collection method: clinical testing. Allele origin: germline.

GeneDx
Classification: Uncertain significance. Last evaluated: 2018-10-17. Review status: criteria provided, single submitter. Criteria: GeneDx Variant Classification (06012015). Collection method: clinical testing. Allele origin: germline. Affected: yes.
Comment: This variant is denoted BRCA2 c.7985C>T at the cDNA level, p.Thr2662Met (T2662M) at the protein level, and results in the change of a Threonine to a Methionine (ACG>ATG). Using alternate nomenclature, this variant would be defined as BRCA2 8213C>T. In a minigene assay, BRCA2 Thr2662Met was shown to result in 3.3% of transcripts skipping exon 18, a naturally occurring isoform (Fraile-Bethencourt 2017). BRCA2 Thr2662Met was not observed at a significant allele frequency in large population cohorts (Lek 2016). This variant is located within the DNA binding domain (Yang 2002). In silico analysis, which includes protein predictors and evolutionary conservation, supports that this variant does not alter protein structure/function. Based on currently available information, it is unclear whether BRCA2 Thr2662Met is pathogenic or benign. We consider it to be a variant of uncertain significance.

GeneKor MSA
Classification: Uncertain significance for Hereditary cancer-predisposing syndrome. Last evaluated: 2018-08-01. Review status: criteria provided, single submitter. Criteria: ACMG Guidelines, 2015. Collection method: clinical testing. Allele origin: germline. Affected: yes.

Color Diagnostics, LLC DBA Color Health
Classification: Likely benign for Hereditary cancer-predisposing syndrome. Last evaluated: 2017-04-20. Review status: criteria provided, single submitter. Criteria: ACMG Guidelines, 2015. Collection method: clinical testing. Allele origin: germline.

Molecular Endocrinology Laboratory, Christian Medical College
Classification: Uncertain significance for Breast-ovarian cancer, familial, susceptibility to, 2. Review status: criteria provided, single submitter. Criteria: ACMG Guidelines, 2015. Collection method: clinical testing. Allele origin: germline. Affected: yes.

Literature cited by the submitters: PubMed 28339459 (cited by Women's Health and Genetics/Laboratory Corporation of America, LabCorp and Department of Pathology and Laboratory Medicine, Sinai Health System); PubMed 29884841 (cited by 3 submitters); PubMed 31159747 (cited by Women's Health and Genetics/Laboratory Corporation of America, LabCorp and Quest Diagnostics Nichols Institute San Juan Capistrano); PubMed 33609447 (cited by Women's Health and Genetics/Laboratory Corporation of America, LabCorp); PubMed 31131967 (cited by Quest Diagnostics Nichols Institute San Juan Capistrano).

NM_000059.4(BRCA2):c.7985C>T (p.Thr2662Met)

Gene: BRCA2 (BRCA2 DNA repair associated; plus strand). Cytogenetic location: 13q13.1.
Variant type: single nucleotide variant.
Coding change: c.7985C>T on transcript NM_000059.4 (MANE Select); coding-DNA position 7985, C replaced by T.
Protein change: p.Thr2662Met; replaces threonine 2662 with methionine.
Molecular consequence: missense variant.
Genome position (GRCh38, 1-based): chr13:32,363,187, C>T. VCF-style: chr13-32363187-C-T. GRCh37 (hg19) VCF-style: chr13-32937324-C-T.
Other names: short protein forms T2662M.
Identifiers: ClinVar variation 184089 (VCV000184089.32), dbSNP rs431825362, ClinGen allele CA025383.